The following is an entry in ClinVar:

NM_005085.4(NUP214):c.3696G>A (p.Pro1232=)

Gene: NUP214 (nucleoporin 214; plus strand). Cytogenetic location: 9q34.13.
Variant type: single nucleotide variant.
Coding change: c.3696G>A on transcript NM_005085.4 (MANE Select); coding-DNA position 3696, G replaced by A.
Protein change: p.Pro1232=; no amino-acid change (proline 1232 retained).
Molecular consequence: synonymous variant.
Genome position (GRCh38, 1-based): chr9:131,195,269, G>A. VCF-style: chr9-131195269-G-A. GRCh37 (hg19) VCF-style: chr9-134070656-G-A.
Other names: c.3666G>A, p.Pro1222= (NM_001318324.2); c.174G>A, p.Pro58= (NM_001318325.2).
Identifiers: ClinVar variation 721058 (VCV000721058.12), dbSNP rs141249502, ClinGen allele CA5289771.

ClinVar aggregate classification (germline): Benign/Likely benign. Review status: criteria provided, multiple submitters, no conflicts (2 of 4 stars). 5 submissions from 5 submitters: Benign (2); Likely benign (2). 1 of the submissions does not count toward it. Last evaluated 2025-12-01.

Conditions:
NUP214-related disorder. Also called: NUP214-related disorders; NUP214-related condition.

Allele frequency attached by ClinVar (database versions not stated): 1000 Genomes Project 30x 0.00031; 1000 Genomes Project 0.00040; gnomAD 0.00050 and 0.00052; ESP Exome Variant Server 0.00054; ExAC 0.00066; TOPMed 0.00066; gnomAD exomes 0.00071 and 0.00093.
gnomAD v4.1: 1,429 of 1,613,288 alleles (0.089%); highest among the groups gnomAD compares: Admixed American, 0.18%; 2 homozygotes.

Submissions (5):

CeGaT Center for Human Genetics Tuebingen
Classification: Likely benign. Last evaluated: 2025-12-01. Review status: criteria provided, single submitter. Criteria: CeGaT Center For Human Genetics Tuebingen Variant Classification Criteria Version 2. Collection method: clinical testing. Allele origin: germline. Affected: yes. Observed: 1 variant allele.
Comment: NUP214: BP4, BP7

Blueprint Genetics
Classification: Likely benign. Last evaluated: 2024-11-21. Review status: criteria provided, single submitter. Criteria: ACMG Guidelines, 2015. Collection method: clinical testing. Allele origin: germline.

Labcorp Genetics (formerly Invitae), Labcorp
Classification: Benign. Last evaluated: 2019-12-31. Review status: criteria provided, single submitter. Criteria: Invitae Variant Classification Sherloc (09022015). Collection method: clinical testing. Allele origin: germline.

Breakthrough Genomics
Classification: Benign. Review status: criteria provided, single submitter. Criteria: ACMG Guidelines, 2015. Collection method: not provided. Allele origin: germline. Inheritance: Autosomal recessive inheritance. Affected: yes.

PreventionGenetics, part of Exact Sciences
Classification: Likely benign for NUP214-related condition. Last evaluated: 2019-04-09. Review status: no assertion criteria provided. Collection method: clinical testing. Allele origin: germline. Not counted in ClinVar's aggregate classification.
Comment: This variant is classified as likely benign based on ACMG/AMP sequence variant interpretation guidelines (Richards et al. 2015 PMID: 25741868, with internal and published modifications).